The following is an entry in ClinVar:

ClinVar aggregate classification (germline): Pathogenic. Review status: reviewed by expert panel (3 of 4 stars). 10 submissions from 10 submitters: Pathogenic (1). 9 of the submissions do not count toward it. Last evaluated 2016-09-08.

Conditions:
Breast neoplasm. Also called: Neoplasm of the breast; Neoplasm of breast; Breast tumor; Breast Neoplasms. Identifiers: MedGen C1458155, MeSH D001943, MONDO:0021100, HP:0100013. Disease mechanism: gain of function.
Ovarian neoplasm. Also called: Ovarian Neoplasms; Neoplasm of ovary; Ovarian tumor. Identifiers: MedGen C0919267, MeSH D010051, MONDO:0021068, HP:0100615.
Hereditary cancer-predisposing syndrome. Also called: Hereditary Cancer Syndrome; Hereditary neoplastic syndrome; Neoplastic Syndromes, Hereditary; Tumor predisposition. Identifiers: Orphanet 140162, MedGen C0027672, MeSH D009386, MONDO:0015356.
Breast-ovarian cancer, familial, susceptibility to, 1 (BROVCA1). Also called: BRCA1 Hereditary Breast and Ovarian Cancer; OVARIAN CANCER, SUSCEPTIBILITY TO. Identifiers: Orphanet 145, MedGen C2676676, MONDO:0011450, OMIM 604370. Disease mechanism: loss of function.
Hereditary breast ovarian cancer syndrome. Also called: BRCA1- and BRCA2-Associated Hereditary Breast and Ovarian Cancer; Hereditary breast and ovarian cancer syndrome; Hereditary breast and ovarian cancer syndrome (HBOC); Breast and ovarian cancer; Hereditary breast and/or ovarian cancer syndrome; Hereditary breast and ovarian cancer. Identifiers: Orphanet 145, MedGen C0677776, MeSH D061325, MONDO:0003582. Disease mechanism: loss of function.

Submissions (10):

Evidence-based Network for the Interpretation of Germline Mutant Alleles (ENIGMA)
Classification: Pathogenic for Breast-ovarian cancer, familial, susceptibility to, 1. Last evaluated: 2016-09-08. Review status: reviewed by expert panel. Criteria: ENIGMA BRCA1/2 Classification Criteria (2015). Collection method: curation. Allele origin: germline.
Comment: Variant allele predicted to encode a truncated non-functional protein.

Molecular Pathology, Peter Maccallum Cancer Centre
Classification: Pathogenic for Breast-ovarian cancer, familial, susceptibility to, 1. Last evaluated: 2024-09-12. Review status: criteria provided, single submitter. Criteria: ACMG Guidelines, 2015. Collection method: clinical testing. Allele origin: germline. Inheritance: Autosomal dominant inheritance. Not counted in ClinVar's aggregate classification.

Quest Diagnostics Nichols Institute San Juan Capistrano
Classification: Pathogenic. Last evaluated: 2024-05-06. Review status: criteria provided, single submitter. Criteria: Quest Diagnostics criteria. Collection method: clinical testing. Allele origin: unknown. Not counted in ClinVar's aggregate classification.
Comment: The BRCA1 c.5084_5085del (p.Phe1695Cysfs*3) variant alters the translational reading frame of the BRCA1 mRNA and causes the premature termination of BRCA1 protein synthesis. This variant has been reported in the published literature in individuals with a diagnosis of or at high risk for breast and/or ovarian cancer (PMIDs: 29446198 (2018), 21203900 (2011)). This variant has not been reported in large, multi-ethnic general populations (Genome Aggregation Database). Based on the available information, this variant is classified as pathogenic.

Ambry Genetics
Classification: Pathogenic for Hereditary cancer-predisposing syndrome. Last evaluated: 2024-01-18. Review status: criteria provided, single submitter. Criteria: Ambry Variant Classification Scheme 2023. Collection method: clinical testing. Allele origin: germline. Not counted in ClinVar's aggregate classification.
Comment: The c.5084_5085delTT pathogenic mutation, located in coding exon 16 of the BRCA1 gene, results from a deletion of two nucleotides at nucleotide positions 5084 to 5085, causing a translational frameshift with a predicted alternate stop codon (p.F1695Cfs*3). This mutation has been detected in multiple individuals diagnosed with breast and/or ovarian cancer (Konecny M et al, Breast Cancer Res. Treat. 2011 Feb; 126(1):119-30; Silva et al. BMC Med. Genet. 2014 May;15:55; Rebbeck et al. Hum. Mutat. 2018 05;39(5):593-620). Of note, this alteration is also designated as c.5084_5085del2 and c.5203delTT in published literature. In addition to the clinical data presented in the literature, this alteration is expected to result in loss of function by premature protein truncation or nonsense-mediated mRNA decay. As such, this alteration is interpreted as a disease-causing mutation.

Labcorp Genetics (formerly Invitae), Labcorp
Classification: Pathogenic for Hereditary breast ovarian cancer syndrome. Last evaluated: 2023-02-10. Review status: criteria provided, single submitter. Criteria: Invitae Variant Classification Sherloc (09022015). Collection method: clinical testing. Allele origin: germline. Not counted in ClinVar's aggregate classification.
Comment: This variant is not present in population databases (gnomAD no frequency). This premature translational stop signal has been observed in individual(s) with breast cancer and/or ovarian cancer (PMID: 21203900). ClinVar contains an entry for this variant (Variation ID: 55388). For these reasons, this variant has been classified as Pathogenic. This sequence change creates a premature translational stop signal (p.Phe1695Cysfs*3) in the BRCA1 gene. It is expected to result in an absent or disrupted protein product. Loss-of-function variants in BRCA1 are known to be pathogenic (PMID: 20104584).

Women's Health and Genetics/Laboratory Corporation of America, LabCorp
Classification: Pathogenic for Hereditary breast and ovarian cancer syndrome. Last evaluated: 2020-02-24. Review status: criteria provided, single submitter. Criteria: LabCorp Variant Classification Summary - May 2015. Collection method: clinical testing. Allele origin: germline. Not counted in ClinVar's aggregate classification.
Comment: Variant summary: BRCA1 c.5084_5085delTT (p.Phe1695CysfsX3) results in a premature termination codon, predicted to cause a truncation of the encoded protein or absence of the protein due to nonsense mediated decay, which are commonly known mechanisms for disease. Truncations downstream of this position have been classified as pathogenic by our laboratory. The variant was absent in 251232 control chromosomes (gnomAD). c.5084_5085delTT has been reported in the literature in multiple individuals affected with Hereditary Breast and Ovarian Cancer (Konecny_2011, Rebbeck_2018). These data indicate that the variant is very likely to be associated with disease. To our knowledge, no experimental evidence demonstrating an impact on protein function has been reported. Three submitters, including one expert panel (ENIGMA), have provided clinical-significance assessments for this variant in ClinVar after 2014 (without evidence for independent evaluation), and all of them classified the variant as pathogenic. Based on the evidence outlined above, the variant was classified as pathogenic.

Consortium of Investigators of Modifiers of BRCA1/2 (CIMBA), c/o University of Cambridge
Classification: Pathogenic for Breast-ovarian cancer, familial, susceptibility to, 1. Last evaluated: 2015-10-02. Review status: criteria provided, single submitter. Criteria: CIMBA Mutation Classification guidelines May 2016. Collection method: clinical testing. Allele origin: germline. Not counted in ClinVar's aggregate classification.

Clinical and Functional Genomics Group, A.C.Camargo Cancer Center
Classification: Pathogenic for Breast Cancer. Review status: criteria provided, single submitter. Criteria: Silva et al. (BMC Med Genet. 2014). Collection method: research. Allele origin: germline. Affected: yes. Not counted in ClinVar's aggregate classification.

German Consortium for Hereditary Breast and Ovarian Cancer, University Hospital Cologne
Classification: Pathogenic for Ovarian neoplasm. Last evaluated: 2018-12-01. Review status: no assertion criteria provided. Collection method: research. Allele origin: germline. Affected: yes. Not counted in ClinVar's aggregate classification.

Breast Cancer Information Core (BIC) (BRCA1)
Classification: Pathogenic for Breast-ovarian cancer, familial 1. Last evaluated: 2003-12-23. Review status: no assertion criteria provided. Collection method: clinical testing. Allele origin: germline. Affected: yes. Observed: 2 variant alleles. Not counted in ClinVar's aggregate classification.

Literature cited by the submitters: PubMed 21203900 (cited by 4 submitters); PubMed 29446198 (cited by Quest Diagnostics Nichols Institute San Juan Capistrano and Women's Health and Genetics/Laboratory Corporation of America, LabCorp); PubMed 20104584 (cited by Labcorp Genetics (formerly Invitae), Labcorp); PubMed 23469205 (cited by Clinical and Functional Genomics Group, A.C.Camargo Cancer Center).

NM_007294.4(BRCA1):c.5084_5085del (p.Phe1695fs)

Gene: BRCA1 (BRCA1 DNA repair associated; minus strand). Cytogenetic location: 17q21.31.
Variant type: Deletion.
Coding change: c.5084_5085del on transcript NM_007294.4 (MANE Select); coding-DNA positions 5084 to 5085, 2 bases deleted (TT; older notation c.5084_5085delTT).
Protein change: p.Phe1695fs; shifts the reading frame from phenylalanine 1695.
Molecular consequence: frameshift variant. On other transcripts: non-coding transcript variant (1).
Genome position (GRCh38, 1-based): chr17:43,063,941-43,063,942, AA deleted on the plus strand (TT on the coding strand, the reverse complement: BRCA1 is on the minus strand); deleting any 2 consecutive bases within chr17:43,063,941-43,063,943 gives the same sequence; the c. name uses the placement nearest the transcript's 3' end. VCF-style (leftmost placement, unchanged base first): chr17-43063940-CAA-C. GRCh37 (hg19) VCF-style: chr17-41215957-CAA-C.
Other names: 5203delTT; c.5084_5085delTT (NM_007294.3); c.4870_4871delTT, p.Phe1624Cysfs (NM_001407908.1, NM_001407909.1, NM_001407910.1 and 12 more transcripts); c.4867_4868delTT, p.Phe1623Cysfs (NM_001407915.1, NM_001407916.1, NM_001407917.1 and 1 more transcripts); c.4960_4961delTT, p.Phe1654Cysfs (NM_001407919.1, NM_001407937.1, NM_001407938.1 and 6 more transcripts); c.4819_4820delTT, p.Phe1607Cysfs (NM_001407920.1, NM_001407921.1, NM_001407922.1 and 4 more transcripts); c.4816_4817delTT, p.Phe1606Cysfs (NM_001407927.1, NM_001407928.1, NM_001407929.1 and 4 more transcripts); c.4813_4814delTT, p.Phe1605Cysfs (NM_001407934.1, NM_001407935.1, NM_001407936.1); and 76 more; short protein forms F591fs, F1648fs, F1695fs, F1716fs.
Identifiers: ClinVar variation 55388 (VCV000055388.20), dbSNP rs80357760, ClinGen allele CA003222.